The following is an entry in ClinVar:

ClinVar aggregate classification (germline): Uncertain significance. Review status: criteria provided, multiple submitters, no conflicts (2 of 4 stars). 2 submissions from 2 submitters: Uncertain significance (2). Last evaluated 2023-12-12.

Conditions:
Imerslund-Grasbeck syndrome. Also called: Megaloblastic anemia due to inborn errors of metabolism; PERNICIOUS ANEMIA, JUVENILE, DUE TO SELECTIVE INTESTINAL MALABSORPTION OF VITAMIN B12, WITH PROTEINURIA; Imerslund-Gräsbeck syndrome; ENTEROCYTE COBALAMIN MALABSORPTION; ENTEROCYTE INTRINSIC FACTOR RECEPTOR, DEFECT OF. Identifiers: Orphanet 35858, MedGen C4551825, MONDO:0009853.

Allele frequency attached by ClinVar (database versions not stated): gnomAD 0.00003; 1000 Genomes Project 0.00020; 1000 Genomes Project 30x 0.00047; gnomAD exomes 0.00002; TOPMed 0.00007; ExAC 0.00002; ESP Exome Variant Server 0.00023.
gnomAD v4.1: 38 of 1,614,064 alleles (0.0024%); highest among the groups gnomAD compares: African/African-American, 0.0027%; no homozygotes.

Submissions (2):

GeneDx
Classification: Uncertain significance. Last evaluated: 2023-12-12. Review status: criteria provided, single submitter. Criteria: GeneDx Variant Classification Process June 2021. Collection method: clinical testing. Allele origin: germline. Affected: yes.
Comment: In silico analysis supports that this missense variant has a deleterious effect on protein structure/function; Has not been previously published as pathogenic or benign to our knowledge

Labcorp Genetics (formerly Invitae), Labcorp
Classification: Uncertain significance for Imerslund-Grasbeck syndrome. Last evaluated: 2022-06-14. Review status: criteria provided, single submitter. Criteria: Invitae Variant Classification Sherloc (09022015). Collection method: clinical testing. Allele origin: germline.
Comment: This sequence change replaces threonine, which is neutral and polar, with methionine, which is neutral and non-polar, at codon 1804 of the CUBN protein (p.Thr1804Met). In summary, the available evidence is currently insufficient to determine the role of this variant in disease. Therefore, it has been classified as a Variant of Uncertain Significance. Algorithms developed to predict the effect of missense changes on protein structure and function are either unavailable or do not agree on the potential impact of this missense change (SIFT: "Deleterious"; PolyPhen-2: "Possibly Damaging"; Align-GVGD: "Class C15"). This variant is present in population databases (rs142061158, gnomAD 0.01%). This variant has not been reported in the literature in individuals affected with CUBN-related conditions.

NM_001081.4(CUBN):c.5411C>T (p.Thr1804Met)

Gene: CUBN (cubilin; minus strand). Cytogenetic location: 10p13.
Variant type: single nucleotide variant.
Coding change: c.5411C>T on transcript NM_001081.4 (MANE Select); coding-DNA position 5411, C replaced by T.
Protein change: p.Thr1804Met; replaces threonine 1804 with methionine.
Molecular consequence: missense variant.
Genome position (GRCh38, 1-based): chr10:16,940,169, G>A on the plus strand (C>T on the coding strand, the complement: CUBN is on the minus strand). VCF-style: chr10-16940169-G-A. GRCh37 (hg19) VCF-style: chr10-16982168-G-A.
Other names: short protein forms T1804M.
Identifiers: ClinVar variation 2078191 (VCV002078191.5), dbSNP rs142061158, ClinGen allele CA5424009.